The following is an entry in ClinVar:

ClinVar aggregate classification (germline): Uncertain significance. Review status: criteria provided, multiple submitters, no conflicts (2 of 4 stars). 3 submissions from 3 submitters: Uncertain significance (3). Last evaluated 2024-01-08.

Conditions:
Diamond-Blackfan anemia 5 (DBA5). Also called: RPL35A-Related Diamond-Blackfan Anemia. Identifiers: Orphanet 124, MedGen C2675859, MONDO:0012925, OMIM 612528.

Allele frequency attached by ClinVar (database versions not stated): ExAC 0.00002; gnomAD 0.00002; TOPMed 0.00002; ESP Exome Variant Server 0.00015.
gnomAD v4.1: 4 of 1,614,038 alleles (0.00025%); highest among the groups gnomAD compares: African/African-American, 0.0053%; no homozygotes.

Submissions (3):

Fulgent Genetics
Classification: Uncertain significance for Diamond-Blackfan anemia 5. Last evaluated: 2024-01-08. Review status: criteria provided, single submitter. Criteria: ACMG Guidelines, 2015. Collection method: clinical testing. Allele origin: germline.

Labcorp Genetics (formerly Invitae), Labcorp
Classification: Uncertain significance for Diamond-Blackfan anemia 5. Last evaluated: 2023-10-20. Review status: criteria provided, single submitter. Criteria: Invitae Variant Classification Sherloc (09022015). Collection method: clinical testing. Allele origin: germline.
Comment: This sequence change falls in intron 4 of the RPL35A gene. It does not directly change the encoded amino acid sequence of the RPL35A protein. It affects a nucleotide within the consensus splice site. This variant is present in population databases (rs375769379, gnomAD 0.007%). This variant has not been reported in the literature in individuals affected with RPL35A-related conditions. ClinVar contains an entry for this variant (Variation ID: 2163177). Variants that disrupt the consensus splice site are a relatively common cause of aberrant splicing (PMID: 17576681, 9536098). Algorithms developed to predict the effect of sequence changes on RNA splicing suggest that this variant is not likely to affect RNA splicing. In summary, the available evidence is currently insufficient to determine the role of this variant in disease. Therefore, it has been classified as a Variant of Uncertain Significance.

Revvity Omics, Revvity
Classification: Uncertain significance for Diamond-Blackfan anemia 5. Last evaluated: 2023-03-01. Review status: criteria provided, single submitter. Criteria: ACMG Guidelines, 2015. Collection method: clinical testing. Allele origin: germline.

Literature cited by the submitters: PubMed 17576681 (cited by Labcorp Genetics (formerly Invitae), Labcorp); PubMed 9536098 (cited by Labcorp Genetics (formerly Invitae), Labcorp).

NM_000996.4(RPL35A):c.309+3G>C

Genes: DRC9 (dynein regulatory complex subunit 9; minus strand), RPL35A (ribosomal protein L35a; plus strand). Cytogenetic location: 3q29.
Variant type: single nucleotide variant.
Coding change: c.309+3G>C on transcript NM_000996.4 (MANE Select); 3 bases into the intron after coding-DNA position 309, G replaced by C.
Molecular consequence: intron variant.
Genome position (GRCh38, 1-based): chr3:197,954,150, G>C. VCF-style: chr3-197954150-G-C. GRCh37 (hg19) VCF-style: chr3-197681021-G-C.
Other names: c.-50+5379C>G (NM_001323028.2); c.-60+5379C>G (NM_032263.5); c.-375+5379C>G (NM_001323029.2); c.309+3G>C (NM_001316311.2).
Identifiers: ClinVar variation 2163177 (VCV002163177.7), dbSNP rs375769379, ClinGen allele CA2789224.
Genomic context (GRCh38, chr3:197,954,150, plus strand): 5'-TCGTGCCAAATTCCGAAGCAATCTTCCTGCTAAGGCCATTGGACACAGAATCCGAGTGGT[G>C]AGTATGGTTTTTAGCAAAATGGACGTCTGATGAATCAGACTAGGTTCAAGGTGTTGTGCT-3'